The following is an entry in ClinVar:

NM_001367949.2(FAT3):c.8266T>G (p.Phe2756Val)

Gene: FAT3 (FAT atypical cadherin 3; plus strand). Cytogenetic location: 11q14.3.
Variant type: single nucleotide variant.
Coding change: c.8266T>G on transcript NM_001367949.2 (MANE Select); coding-DNA position 8266, T replaced by G.
Protein change: p.Phe2756Val; replaces phenylalanine 2756 with valine.
Molecular consequence: missense variant.
Genome position (GRCh38, 1-based): chr11:92,801,279, T>G. VCF-style: chr11-92801279-T-G. GRCh37 (hg19) VCF-style: chr11-92534445-T-G.
Other names: c.8266T>G, p.Phe2756Val (NM_001008781.3); short protein forms F2756V.
Identifiers: ClinVar variation 3897762 (VCV003897762.1).

ClinVar aggregate classification (oncogenicity): Uncertain significance (1 of 4 stars; one submission).

Conditions:
Meningioma. Also called: Meningioma, somatic. Identifiers: Orphanet 2495, MedGen C0025286, MONDO:0016642, HP:0002858.

Submission:

Dr. Guy Rouleau's laboratory, McGill University
Classification: Uncertain significance for Meningioma. Last evaluated: 2025-03-30. Review status: criteria provided, single submitter. Criteria: ClinGen/CGC/VICC Guidelines for Oncogenicity, 2022. Collection method: research. Allele origin: somatic. Affected: yes.
Comment: This missense variant, located at position 2756 in the FAT3 gene, results in the substitution of Phenylalanine (F), an aromatic amino acid, with Valine (V), a neutral and non-polar amino acid. This somatic variant was identified in a paired tumor-blood sequencing study of meningiomas. It has not been reported in population databases (gnomAD v2.1.1: no frequency). Due to insufficient evidence, the clinical significance of this variant remains unknown.